The following is an entry in ClinVar:

NM_000350.3(ABCA4):c.1663G>A (p.Asp555Asn)

Gene: ABCA4 (ATP binding cassette subfamily A member 4; minus strand). Cytogenetic location: 1p22.1.
Variant type: single nucleotide variant.
Coding change: c.1663G>A on transcript NM_000350.3 (MANE Select); coding-DNA position 1663, G replaced by A.
Protein change: p.Asp555Asn; replaces aspartic acid 555 with asparagine.
Molecular consequence: missense variant.
Genome position (GRCh38, 1-based): chr1:94,063,209, C>T on the plus strand (G>A on the coding strand, the complement: ABCA4 is on the minus strand). VCF-style: chr1-94063209-C-T. GRCh37 (hg19) VCF-style: chr1-94528765-C-T.
Other names: c.1663G>A, p.Asp555Asn (NM_001425324.1); short protein forms D555N.
Identifiers: ClinVar variation 1523956 (VCV001523956.3), dbSNP rs2101079203, ClinGen allele CA341280281.

ClinVar aggregate classification (germline): Uncertain significance (1 of 4 stars; one submission).

Allele frequency attached by ClinVar (database versions not stated): gnomAD exomes below 0.00001; gnomAD 0.00001.
gnomAD v4.1: 3 of 1,614,126 alleles (0.00019%); highest among the groups gnomAD compares: East Asian, 0.0045%; no homozygotes.

Submission:

Labcorp Genetics (formerly Invitae), Labcorp
Classification: Uncertain significance. Last evaluated: 2021-09-01. Review status: criteria provided, single submitter. Criteria: Invitae Variant Classification Sherloc (09022015). Collection method: clinical testing. Allele origin: germline.
Comment: This sequence change replaces aspartic acid with asparagine at codon 555 of the ABCA4 protein (p.Asp555Asn). The aspartic acid residue is highly conserved and there is a small physicochemical difference between aspartic acid and asparagine. This variant is not present in population databases (ExAC no frequency). This variant has not been reported in the literature in individuals affected with ABCA4-related conditions. Advanced modeling of protein sequence and biophysical properties (such as structural, functional, and spatial information, amino acid conservation, physicochemical variation, residue mobility, and thermodynamic stability) performed at Invitae indicates that this missense variant is not expected to disrupt ABCA4 protein function. In summary, the available evidence is currently insufficient to determine the role of this variant in disease. Therefore, it has been classified as a Variant of Uncertain Significance.